The following is an entry in ClinVar:

NM_198525.3(KIF7):c.2359C>T (p.Arg787Cys)

Gene: KIF7 (kinesin family member 7; minus strand). Cytogenetic location: 15q26.1.
Variant type: single nucleotide variant.
Coding change: c.2359C>T on transcript NM_198525.3 (MANE Select); coding-DNA position 2359, C replaced by T.
Protein change: p.Arg787Cys; replaces arginine 787 with cysteine.
Molecular consequence: missense variant.
Genome position (GRCh38, 1-based): chr15:89,642,238, G>A on the plus strand (C>T on the coding strand, the complement: KIF7 is on the minus strand). VCF-style: chr15-89642238-G-A. GRCh37 (hg19) VCF-style: chr15-90185469-G-A.
Other names: short protein forms R787C.
Identifiers: ClinVar variation 1521097 (VCV001521097.7), dbSNP rs762787424, ClinGen allele CA7728221.

ClinVar aggregate classification (germline): Uncertain significance (1 of 4 stars; one submission).

Conditions:
Acrocallosal syndrome (ACLS). Also called: HALLUX DUPLICATION, POSTAXIAL POLYDACTYLY, AND ABSENCE OF CORPUS CALLOSUM; Schinzel syndrome 1; Absence of corpus callosum with unusual facial appearance, mental deficiency, duplication of the halluces and polydactyly. Identifiers: Orphanet 36, MedGen C0796147, MONDO:0008708, OMIM 200990.

Allele frequency attached by ClinVar (database versions not stated): gnomAD exomes below 0.00001 and 0.00001; ExAC 0.00001; gnomAD 0.00001; TOPMed 0.00002.
gnomAD v4.1: 8 of 1,610,290 alleles (0.0005%); highest among the groups gnomAD compares: African/African-American, 0.0027%; no homozygotes.

Submission:

Labcorp Genetics (formerly Invitae), Labcorp
Classification: Uncertain significance for Acrocallosal syndrome. Last evaluated: 2022-05-28. Review status: criteria provided, single submitter. Criteria: Invitae Variant Classification Sherloc (09022015). Collection method: clinical testing. Allele origin: germline.
Comment: In summary, the available evidence is currently insufficient to determine the role of this variant in disease. Therefore, it has been classified as a Variant of Uncertain Significance. Algorithms developed to predict the effect of missense changes on protein structure and function are either unavailable or do not agree on the potential impact of this missense change (SIFT: "Deleterious"; PolyPhen-2: "Probably Damaging"; Align-GVGD: "Class C0"). ClinVar contains an entry for this variant (Variation ID: 1521097). This variant has not been reported in the literature in individuals affected with KIF7-related conditions. This variant is present in population databases (rs762787424, gnomAD 0.006%). This sequence change replaces arginine, which is basic and polar, with cysteine, which is neutral and slightly polar, at codon 787 of the KIF7 protein (p.Arg787Cys).